The following is an entry in ClinVar:

ClinVar aggregate classification (germline): Benign (1 of 4 stars; one submission).

Conditions:
Juvenile polyposis syndrome (JPS). Identifiers: Orphanet 2929, MedGen C0345893, MONDO:0017380, OMIM 174900.

Submission:

Myriad Genetics, Inc.
Classification: Benign for Juvenile polyposis syndrome. Last evaluated: 2024-08-01. Review status: criteria provided, single submitter. Criteria: Myriad Autosomal Dominant, Autosomal Recessive and X-Linked Classification Criteria (2023). Collection method: clinical testing. Allele origin: unknown.
Comment: This variant is considered benign. This variant is a silent/synonymous amino acid change and it is not expected to impact splicing.

NM_004329.3(BMPR1A):c.360G>A (p.Arg120=)

Gene: BMPR1A (bone morphogenetic protein receptor type 1A; plus strand). Cytogenetic location: 10q23.2.
Variant type: single nucleotide variant.
Coding change: c.360G>A on transcript NM_004329.3 (MANE Select); coding-DNA position 360, G replaced by A.
Protein change: p.Arg120=; no amino-acid change (arginine 120 retained).
Molecular consequence: synonymous variant. On other transcripts: non-coding transcript variant (3), intron variant (1).
Genome position (GRCh38, 1-based): chr10:86,899,820, G>A. VCF-style: chr10-86899820-G-A. GRCh37 (hg19) VCF-style: chr10-88659577-G-A.
Other names: c.360G>A, p.Arg120= (NM_001406559.1, NM_001406560.1, NM_001406561.1 and 22 more transcripts); c.276G>A, p.Arg92= (NM_001406584.1, NM_001406585.1, NM_001406586.1 and 2 more transcripts); c.333+7591G>A (NM_001406589.1).
Identifiers: ClinVar variation 3378527 (VCV003378527.1).